The following is an entry in ClinVar:

ClinVar aggregate classification (germline): Uncertain significance. Review status: criteria provided, multiple submitters, no conflicts (2 of 4 stars). 3 submissions from 3 submitters: Uncertain significance (3). Last evaluated 2025-11-03.

Conditions:
DICER1-related tumor predisposition. Also called: DICER1-related pleuropulmonary blastoma cancer predisposition syndrome; DICER1 syndrome. Identifiers: Orphanet 284343, MedGen C3839822, MONDO:0100216.
Hereditary cancer-predisposing syndrome. Also called: Hereditary neoplastic syndrome; Neoplastic Syndromes, Hereditary; Tumor predisposition; Hereditary Cancer Syndrome. Identifiers: Orphanet 140162, MedGen C0027672, MeSH D009386, MONDO:0015356.

gnomAD v4.1: 4 of 1,613,762 alleles (0.00025%); highest among the groups gnomAD compares: Non-Finnish European, 0.00034%; no homozygotes.

Submissions (3):

Labcorp Genetics (formerly Invitae), Labcorp
Classification: Uncertain significance for DICER1-related tumor predisposition. Last evaluated: 2025-11-03. Review status: criteria provided, single submitter. Criteria: Invitae Variant Classification Sherloc (09022015). Collection method: clinical testing. Allele origin: germline.
Comment: This sequence change replaces valine, which is neutral and non-polar, with leucine, which is neutral and non-polar, at codon 326 of the DICER1 protein (p.Val326Leu). This variant is not present in population databases (gnomAD no frequency). This variant has not been reported in the literature in individuals affected with DICER1-related conditions. ClinVar contains an entry for this variant (Variation ID: 483448). Invitae Evidence Modeling of protein sequence and biophysical properties (such as structural, functional, and spatial information, amino acid conservation, physicochemical variation, residue mobility, and thermodynamic stability) indicates that this missense variant is not expected to disrupt DICER1 protein function with a negative predictive value of 95%. In summary, the available evidence is currently insufficient to determine the role of this variant in disease. Therefore, it has been classified as a Variant of Uncertain Significance.

GeneDx
Classification: Uncertain significance. Last evaluated: 2024-08-23. Review status: criteria provided, single submitter. Criteria: GeneDx Variant Classification Process June 2021. Collection method: clinical testing. Allele origin: germline. Affected: yes.
Comment: Not observed at significant frequency in large population cohorts (gnomAD); In silico analysis indicates that this missense variant does not alter protein structure/function; Has not been previously published as pathogenic or benign to our knowledge

Ambry Genetics
Classification: Uncertain significance for Hereditary cancer-predisposing syndrome. Last evaluated: 2024-04-18. Review status: criteria provided, single submitter. Criteria: Ambry Variant Classification Scheme 2023. Collection method: clinical testing. Allele origin: germline.
Comment: The p.V326L variant (also known as c.976G>C), located in coding exon 7 of the DICER1 gene, results from a G to C substitution at nucleotide position 976. The valine at codon 326 is replaced by leucine, an amino acid with highly similar properties. This amino acid position is highly conserved in available vertebrate species. In addition, the in silico prediction for this alteration is inconclusive. Since supporting evidence is limited at this time, the clinical significance of this alteration remains unclear.

NM_177438.3(DICER1):c.976G>C (p.Val326Leu)

Gene: DICER1 (dicer 1, ribonuclease III; minus strand). Cytogenetic location: 14q32.13.
Variant type: single nucleotide variant.
Coding change: c.976G>C on transcript NM_177438.3 (MANE Select); coding-DNA position 976, G replaced by C.
Protein change: p.Val326Leu; replaces valine 326 with leucine.
Molecular consequence: missense variant.
Genome position (GRCh38, 1-based): chr14:95,124,596, C>G on the plus strand (G>C on the coding strand, the complement: DICER1 is on the minus strand). VCF-style: chr14-95124596-C-G. GRCh37 (hg19) VCF-style: chr14-95590933-C-G.
Other names: c.976G>C, p.Val326Leu (NM_001195573.1, NM_001271282.3, NM_001291628.2 and 1 more transcripts); short protein forms V326L.
Identifiers: ClinVar variation 483448 (VCV000483448.17), dbSNP rs1555374798, ClinGen allele CA390887248.
Genomic context (GRCh38, chr14:95,124,596, plus strand): 5'-ATAAAAATTTCCTGTGCAGCTCCTCTTGCTCATGTTTGATGTATTTCTGTAGTTCTCTTA[C>G]CATCATTCCAGCTACTTTATCTGCACACCAGGGTCCCAGAACTACCAATACGGCACGACA-3'
Protein context (NP_803187.1, residues 316-336): WCADKVAGMM[Val326Leu]RELQKYIKHE